The following is an entry in ClinVar:

NM_005687.5(FARSB):c.1651A>G (p.Ile551Val)

Gene: FARSB (phenylalanyl-tRNA synthetase subunit beta; minus strand). Cytogenetic location: 2q36.1.
Variant type: single nucleotide variant.
Coding change: c.1651A>G on transcript NM_005687.5 (MANE Select); coding-DNA position 1651, A replaced by G.
Protein change: p.Ile551Val; replaces isoleucine 551 with valine.
Molecular consequence: missense variant. On other transcripts: non-coding transcript variant (1).
Genome position (GRCh38, 1-based): chr2:222,571,990, T>C on the plus strand (A>G on the coding strand, the complement: FARSB is on the minus strand). VCF-style: chr2-222571990-T-C. GRCh37 (hg19) VCF-style: chr2-223436709-T-C.
Other names: c.1651A>G (NM_005687.3); short protein forms I551V.
Identifiers: ClinVar variation 2062972 (VCV002062972.5), dbSNP rs761078821, ClinGen allele CA2136286.

ClinVar aggregate classification (germline): Uncertain significance. Review status: criteria provided, multiple submitters, no conflicts (2 of 4 stars). 2 submissions from 2 submitters: Uncertain significance (2). Last evaluated 2024-08-11.

Conditions:
Inborn genetic diseases. Identifiers: MedGen C0950123, MeSH D030342.

Allele frequency attached by ClinVar (database versions not stated): ExAC 0.00001.

Submissions (2):

Ambry Genetics
Classification: Uncertain significance for Inborn genetic diseases. Last evaluated: 2024-08-11. Review status: criteria provided, single submitter. Criteria: Ambry Variant Classification Scheme 2023. Collection method: clinical testing. Allele origin: germline.

Labcorp Genetics (formerly Invitae), Labcorp
Classification: Uncertain significance. Last evaluated: 2022-08-03. Review status: criteria provided, single submitter. Criteria: Invitae Variant Classification Sherloc (09022015). Collection method: clinical testing. Allele origin: germline.
Comment: In summary, the available evidence is currently insufficient to determine the role of this variant in disease. Therefore, it has been classified as a Variant of Uncertain Significance. Algorithms developed to predict the effect of missense changes on protein structure and function output the following: SIFT: "Tolerated"; PolyPhen-2: "Benign"; Align-GVGD: "Class C0". The valine amino acid residue is found in multiple mammalian species, which suggests that this missense change does not adversely affect protein function. This variant has not been reported in the literature in individuals affected with FARSB-related conditions. This sequence change replaces isoleucine, which is neutral and non-polar, with valine, which is neutral and non-polar, at codon 551 of the FARSB protein (p.Ile551Val). This variant is present in population databases (rs761078821, gnomAD no frequency).